The following is an entry in ClinVar:

NM_004329.3(BMPR1A):c.995T>A (p.Leu332His)

Gene: BMPR1A (bone morphogenetic protein receptor type 1A; plus strand). Cytogenetic location: 10q23.2.
Variant type: single nucleotide variant.
Coding change: c.995T>A on transcript NM_004329.3 (MANE Select); coding-DNA position 995, T replaced by A.
Protein change: p.Leu332His; replaces leucine 332 with histidine.
Molecular consequence: missense variant. On other transcripts: non-coding transcript variant (3).
Genome position (GRCh38, 1-based): chr10:86,919,298, T>A. VCF-style: chr10-86919298-T-A. GRCh37 (hg19) VCF-style: chr10-88679055-T-A.
Other names: c.995T>A, p.Leu332His (NM_001406576.1, NM_001406577.1, NM_001406578.1 and 19 more transcripts); c.989T>A, p.Leu330His (NM_001406583.1); c.911T>A, p.Leu304His (NM_001406584.1, NM_001406585.1, NM_001406586.1 and 2 more transcripts); c.1070T>A, p.Leu357His (NM_001406559.1); c.1043T>A, p.Leu348His (NM_001406560.1); c.653T>A, p.Leu218His (NM_001406589.1); short protein forms L218H, L304H, L330H, L332H, L348H, L357H.
Identifiers: ClinVar variation 4083083 (VCV004083083.1).

ClinVar aggregate classification (germline): Uncertain significance (1 of 4 stars; one submission).

gnomAD v4.1: 1 of 1,614,010 alleles (0.000062%); highest among the groups gnomAD compares: South Asian, 0.0011%; no homozygotes.

Submission:

GeneDx
Classification: Uncertain significance. Last evaluated: 2025-03-06. Review status: criteria provided, single submitter. Criteria: GeneDx Variant Classification Process June 2021. Collection method: clinical testing. Allele origin: germline. Affected: yes.
Comment: Not observed at significant frequency in large population cohorts (gnomAD); In silico analysis supports that this missense variant has a deleterious effect on protein structure/function; Has not been previously published as pathogenic or benign to our knowledge